The following is an entry in ClinVar:

ClinVar aggregate classification (germline): Likely benign. Review status: criteria provided, single submitter (1 of 4 stars). 2 submissions from 2 submitters: Likely benign (1). 1 of the submissions does not count toward it. Last evaluated 2026-01-08.

Conditions:
Bardet-Biedl syndrome (BBS). Identifiers: Orphanet 110, MedGen C0752166, MONDO:0015229.
McKusick-Kaufman syndrome (MKKS). Also called: HYDROMETROCOLPOS SYNDROME; HYDROMETROCOLPOS, POSTAXIAL POLYDACTYLY, AND CONGENITAL HEART MALFORMATION. Identifiers: Orphanet 2473, MedGen C0948368, MONDO:0009367, OMIM 236700.
MKKS-related disorder. Also called: MKKS-related condition; MKKS-related disorders.

Allele frequency attached by ClinVar (database versions not stated): gnomAD exomes 0.00001 and 0.00006; ExAC 0.00002; gnomAD 0.00002; TOPMed 0.00002.
gnomAD v4.1: 24 of 1,614,084 alleles (0.0015%); highest among the groups gnomAD compares: Admixed American, 0.04%; no homozygotes.

Submissions (2):

Labcorp Genetics (formerly Invitae), Labcorp
Classification: Likely benign for McKusick-Kaufman syndrome; Bardet-Biedl syndrome. Last evaluated: 2026-01-08. Review status: criteria provided, single submitter. Criteria: Invitae Variant Classification Sherloc (09022015). Collection method: clinical testing. Allele origin: germline.

PreventionGenetics, part of Exact Sciences
Classification: Likely benign for MKKS-related condition. Last evaluated: 2020-06-11. Review status: no assertion criteria provided. Collection method: clinical testing. Allele origin: germline. Not counted in ClinVar's aggregate classification.
Comment: This variant is classified as likely benign based on ACMG/AMP sequence variant interpretation guidelines (Richards et al. 2015 PMID: 25741868, with internal and published modifications).

NM_170784.3(MKKS):c.282C>T (p.Phe94=)

Gene: MKKS (MKKS centrosomal shuttling protein; minus strand). Cytogenetic location: 20p12.2.
Variant type: single nucleotide variant.
Coding change: c.282C>T on transcript NM_170784.3 (MANE Select); coding-DNA position 282, C replaced by T.
Protein change: p.Phe94=; no amino-acid change (phenylalanine 94 retained).
Molecular consequence: synonymous variant.
Genome position (GRCh38, 1-based): chr20:10,413,233, G>A on the plus strand (C>T on the coding strand, the complement: MKKS is on the minus strand). VCF-style: chr20-10413233-G-A. GRCh37 (hg19) VCF-style: chr20-10393881-G-A.
Other names: c.282C>T, p.Phe94= (NM_018848.3).
Identifiers: ClinVar variation 706347 (VCV000706347.10), dbSNP rs769886552, ClinGen allele CA9763711.
Genomic context (GRCh38, chr20:10,413,233, plus strand): 5'-GGTGGGTGTCAAGCCTAATCTCTGAACATTTTCAATCAGGTTGCAGCAAAGAATAGCTGT[G>A]AATAAGCCACAATCACTGAAGCTTGACACATGATTCTGTATGGAGGCTGTCAGGATCTTT-3'
Protein context (NP_740754.1, residues 84-104): HVSSFSDCGL[Phe94=]TAILCCNLIE